The following is an entry in ClinVar:

NM_006254.4(PRKCD):c.1726A>G (p.Lys576Glu)

Gene: PRKCD (protein kinase C delta; plus strand). Cytogenetic location: 3p21.1.
Variant type: single nucleotide variant.
Coding change: c.1726A>G on transcript NM_006254.4 (MANE Select); coding-DNA position 1726, A replaced by G.
Protein change: p.Lys576Glu; replaces lysine 576 with glutamic acid.
Molecular consequence: missense variant.
Genome position (GRCh38, 1-based): chr3:53,189,229, A>G. VCF-style: chr3-53189229-A-G. GRCh37 (hg19) VCF-style: chr3-53223245-A-G.
Other names: c.1726A>G, p.Lys576Glu (NM_001316327.2, NM_001354679.2, NM_001354680.2 and 1 more transcripts); c.1783A>G, p.Lys595Glu (NM_001354676.2); c.1774A>G, p.Lys592Glu (NM_001354678.2); short protein forms K576E, K592E, K595E.
Identifiers: ClinVar variation 862103 (VCV000862103.5), dbSNP rs782371398, ClinGen allele CA2452260.

ClinVar aggregate classification (germline): Uncertain significance (1 of 4 stars; one submission).

Conditions:
Autoimmune lymphoproliferative syndrome, type III caused by mutation in PRKCD. Identifiers: Orphanet 3261, Orphanet 664711, MedGen C3809928, MONDO:8000024, OMIM 615559.

Allele frequency attached by ClinVar (database versions not stated): gnomAD 0.00001; gnomAD exomes 0.00001 and 0.00005; TOPMed 0.00001; ExAC 0.00003.
gnomAD v4.1: 19 of 1,612,474 alleles (0.0012%); highest among the groups gnomAD compares: East Asian, 0.033%; no homozygotes.

Submission:

Labcorp Genetics (formerly Invitae), Labcorp
Classification: Uncertain significance for Autoimmune lymphoproliferative syndrome, type III caused by mutation in PRKCD. Last evaluated: 2025-09-09. Review status: criteria provided, single submitter. Criteria: Invitae Variant Classification Sherloc (09022015). Collection method: clinical testing. Allele origin: germline.
Comment: This sequence change replaces lysine, which is basic and polar, with glutamic acid, which is acidic and polar, at codon 576 of the PRKCD protein (p.Lys576Glu). This variant is present in population databases (rs782371398, gnomAD 0.06%). This variant has not been reported in the literature in individuals affected with PRKCD-related conditions. ClinVar contains an entry for this variant (Variation ID: 862103). An algorithm developed to predict the effect of missense changes on protein structure and function (PolyPhen-2) suggests that this variant is likely to be tolerated. In summary, the available evidence is currently insufficient to determine the role of this variant in disease. Therefore, it has been classified as a Variant of Uncertain Significance.